The following is an entry in ClinVar:

NM_032581.4(HYCC1):c.1561G>A (p.Asp521Asn)

Gene: HYCC1 (hyccin PI4KA lipid kinase complex subunit 1; minus strand). Cytogenetic location: 7p15.3.
Variant type: single nucleotide variant.
Coding change: c.1561G>A on transcript NM_032581.4 (MANE Select); coding-DNA position 1561, G replaced by A.
Protein change: p.Asp521Asn; replaces aspartic acid 521 with asparagine.
Molecular consequence: missense variant. On other transcripts: 3 prime UTR variant (2).
Genome position (GRCh38, 1-based): chr7:22,945,594, C>T on the plus strand (G>A on the coding strand, the complement: HYCC1 is on the minus strand). VCF-style: chr7-22945594-C-T. GRCh37 (hg19) VCF-style: chr7-22985213-C-T.
Other names: c.*597G>A (NM_001363466.2); c.*555G>A (NM_001363467.2); short protein forms D521N.
Identifiers: ClinVar variation 1377897 (VCV001377897.6), dbSNP rs2128195030, ClinGen allele CA366969338.

ClinVar aggregate classification (germline): Uncertain significance (1 of 4 stars; one submission).

Conditions:
Hypomyelination and Congenital Cataract (HLD5). Also called: hypomyelinating leukodystrophy 5. Identifiers: Orphanet 85163, MedGen C1864663, MONDO:0012514, OMIM 610532.

Submission:

Labcorp Genetics (formerly Invitae), Labcorp
Classification: Uncertain significance for Hypomyelination and Congenital Cataract. Last evaluated: 2024-02-24. Review status: criteria provided, single submitter. Criteria: Invitae Variant Classification Sherloc (09022015). Collection method: clinical testing. Allele origin: germline.
Comment: This sequence change replaces aspartic acid, which is acidic and polar, with asparagine, which is neutral and polar, at codon 521 of the FAM126A protein (p.Asp521Asn). This variant is not present in population databases (gnomAD no frequency). This variant has not been reported in the literature in individuals affected with FAM126A-related conditions. ClinVar contains an entry for this variant (Variation ID: 1377897). An algorithm developed to predict the effect of missense changes on protein structure and function (PolyPhen-2) suggests that this variant is likely to be disruptive. In summary, the available evidence is currently insufficient to determine the role of this variant in disease. Therefore, it has been classified as a Variant of Uncertain Significance.